The following is an entry in ClinVar:

NM_000535.7(PMS2):c.206C>T (p.Ser69Leu)

Gene: PMS2 (PMS1 homolog 2, mismatch repair system component; minus strand). Cytogenetic location: 7p22.1.
Variant type: single nucleotide variant.
Coding change: c.206C>T on transcript NM_000535.7 (MANE Select); coding-DNA position 206, C replaced by T.
Protein change: p.Ser69Leu; replaces serine 69 with leucine.
Molecular consequence: missense variant. On other transcripts: 5 prime UTR variant (11), non-coding transcript variant (1).
Genome position (GRCh38, 1-based): chr7:6,004,016, G>A on the plus strand (C>T on the coding strand, the complement: PMS2 is on the minus strand). VCF-style: chr7-6004016-G-A. GRCh37 (hg19) VCF-style: chr7-6043647-G-A.
Other names: p.S69L:TCA>TTA; c.-10C>T (NM_001322007.2, NM_001322008.2); c.206C>T, p.Ser69Leu (NM_001322006.2, NM_001322014.2); c.-200C>T (NM_001322003.2, NM_001322004.2, NM_001322005.2 and 3 more transcripts); c.-679C>T (NM_001322011.2, NM_001322012.2); c.-279C>T (NM_001322015.2); short protein forms S69L.
Identifiers: ClinVar variation 182807 (VCV000182807.11), dbSNP rs730881914, ClinGen allele CA010782.

ClinVar aggregate classification (germline): Uncertain significance. Review status: criteria provided, multiple submitters, no conflicts (2 of 4 stars). 3 submissions from 3 submitters: Uncertain significance (3). Last evaluated 2024-01-30.

Conditions:
Hereditary cancer-predisposing syndrome. Also called: Tumor predisposition; Hereditary Cancer Syndrome; Hereditary neoplastic syndrome; Neoplastic Syndromes, Hereditary. Identifiers: Orphanet 140162, MedGen C0027672, MeSH D009386, MONDO:0015356.
Hereditary nonpolyposis colorectal neoplasms. Identifiers: MedGen C0009405, MeSH D003123.

Submissions (3):

Labcorp Genetics (formerly Invitae), Labcorp
Classification: Uncertain significance for Hereditary nonpolyposis colorectal neoplasms. Last evaluated: 2024-01-30. Review status: criteria provided, single submitter. Criteria: Invitae Variant Classification Sherloc (09022015). Collection method: clinical testing. Allele origin: germline.
Comment: This sequence change replaces serine, which is neutral and polar, with leucine, which is neutral and non-polar, at codon 69 of the PMS2 protein (p.Ser69Leu). This variant is not present in population databases (gnomAD no frequency). This variant has not been reported in the literature in individuals affected with PMS2-related conditions. ClinVar contains an entry for this variant (Variation ID: 182807). Advanced modeling of protein sequence and biophysical properties (such as structural, functional, and spatial information, amino acid conservation, physicochemical variation, residue mobility, and thermodynamic stability) performed at Invitae indicates that this missense variant is expected to disrupt PMS2 protein function with a positive predictive value of 80%. In summary, the available evidence is currently insufficient to determine the role of this variant in disease. Therefore, it has been classified as a Variant of Uncertain Significance.

Ambry Genetics
Classification: Uncertain significance for Hereditary cancer-predisposing syndrome. Last evaluated: 2023-11-15. Review status: criteria provided, single submitter. Criteria: Ambry Variant Classification Scheme 2023. Collection method: clinical testing. Allele origin: germline.
Comment: The p.S69L variant (also known as c.206C>T), located in coding exon 3 of the PMS2 gene, results from a C to T substitution at nucleotide position 206. The serine at codon 69 is replaced by leucine, an amino acid with dissimilar properties. This amino acid position is highly conserved in available vertebrate species. In addition, this alteration is predicted to be deleterious by in silico analysis. Since supporting evidence is limited at this time, the clinical significance of this alteration remains unclear.

GeneDx
Classification: Uncertain significance. Last evaluated: 2014-07-20. Review status: criteria provided, single submitter. Criteria: GeneDx Variant Classification (06012015). Collection method: clinical testing. Allele origin: germline. Affected: yes.
Comment: This variant is denoted PMS2 c.206C>T at the cDNA level, p.Ser69Leu (S69L) at the protein level, and results in the change of a Serine to a Leucine (TCA>TTA). This variant has been observed as a somatic variant in a pancreatic tumor (COSMIC), but has not been reported as a germline variant. PMS2 Ser69Leu was not observed in approximately 6,500 individuals of European and African American ancestry in the NHLBI Exome Sequencing Project, indicating it is not a common benign variant in these populations. Since Serine and Leucine differ in polarity, charge, size or other properties, this is considered a non-conservative amino acid substitution. PMS2 Ser69Leu occurs at a position that is highly conserved across species and is located in the N-terminal ATPase domain (Fukui 2011). In silico analyses predict that this variant is probably damaging to protein structure and function. Based on currently available information, it is unclear whether PMS2 Ser69Leu is pathogenic or benign. We consider it to be a variant of uncertain significance.